The following is an entry in ClinVar:

ClinVar aggregate classification (germline): Uncertain significance. Review status: criteria provided, multiple submitters, no conflicts (2 of 4 stars). 2 submissions from 2 submitters: Uncertain significance (2). Last evaluated 2025-08-27.

Conditions:
Primary ciliary dyskinesia. Also called: Ciliary dyskinesia. Identifiers: Orphanet 244, MedGen C0008780, MONDO:0016575, HP:0012265.

Allele frequency attached by ClinVar (database versions not stated): ExAC 0.00002; gnomAD exomes 0.00002 and 0.00003; gnomAD 0.00009; TOPMed 0.00010.
gnomAD v4.1: 59 of 1,609,676 alleles (0.0037%); highest among the groups gnomAD compares: African/African-American, 0.021%; no homozygotes.

Submissions (2):

Ambry Genetics
Classification: Uncertain significance. Last evaluated: 2025-08-27. Review status: criteria provided, single submitter. Criteria: Ambry Variant Classification Scheme 2023. Collection method: clinical testing. Allele origin: germline.

Labcorp Genetics (formerly Invitae), Labcorp
Classification: Uncertain significance for Primary ciliary dyskinesia. Last evaluated: 2022-08-23. Review status: criteria provided, single submitter. Criteria: Invitae Variant Classification Sherloc (09022015). Collection method: clinical testing. Allele origin: germline.
Comment: This sequence change replaces threonine, which is neutral and polar, with methionine, which is neutral and non-polar, at codon 4214 of the DNAH8 protein (p.Thr4214Met). This variant is present in population databases (rs750394180, gnomAD 0.02%). This variant has not been reported in the literature in individuals affected with DNAH8-related conditions. ClinVar contains an entry for this variant (Variation ID: 407303). Algorithms developed to predict the effect of missense changes on protein structure and function are either unavailable or do not agree on the potential impact of this missense change (SIFT: "Deleterious"; PolyPhen-2: "Not Available"; Align-GVGD: "Class C65"). In summary, the available evidence is currently insufficient to determine the role of this variant in disease. Therefore, it has been classified as a Variant of Uncertain Significance.

NM_001206927.2(DNAH8):c.12641C>T (p.Thr4214Met)

Gene: DNAH8 (dynein axonemal heavy chain 8; plus strand). Cytogenetic location: 6p21.2.
Variant type: single nucleotide variant.
Coding change: c.12641C>T on transcript NM_001206927.2 (MANE Select); coding-DNA position 12641, C replaced by T.
Protein change: p.Thr4214Met; replaces threonine 4214 with methionine.
Molecular consequence: missense variant.
Genome position (GRCh38, 1-based): chr6:38,973,776, C>T. VCF-style: chr6-38973776-C-T. GRCh37 (hg19) VCF-style: chr6-38941552-C-T.
Other names: c.11990C>T, p.Thr3997Met (NM_001371.4); short protein forms T4214M, T3997M.
Identifiers: ClinVar variation 407303 (VCV000407303.6), dbSNP rs750394180, ClinGen allele CA3791417.